The following is an entry in ClinVar:

ClinVar aggregate classification (germline): Pathogenic. Review status: reviewed by expert panel (3 of 4 stars). 2 submissions from 2 submitters: Pathogenic (1). 1 of the submissions does not count toward it. Last evaluated 2017-12-15.

Conditions:
Breast-ovarian cancer, familial, susceptibility to, 1 (BROVCA1). Also called: BRCA1 Hereditary Breast and Ovarian Cancer; OVARIAN CANCER, SUSCEPTIBILITY TO. Identifiers: Orphanet 145, MedGen C2676676, MONDO:0011450, OMIM 604370. Disease mechanism: loss of function.
Familial cancer of breast. Also called: hereditary breast carcinoma; BREAST CANCER, FAMILIAL; Hereditary breast cancer. Identifiers: Orphanet 227535, MedGen C0346153, MONDO:0016419, OMIM 114480. Disease mechanism: loss of function.

Submissions (2):

Evidence-based Network for the Interpretation of Germline Mutant Alleles (ENIGMA)
Classification: Pathogenic for Breast-ovarian cancer, familial, susceptibility to, 1. Last evaluated: 2017-12-15. Review status: reviewed by expert panel. Criteria: ENIGMA BRCA1/2 Classification Criteria (2017-06-29). Collection method: curation. Allele origin: germline. Study: ENIGMA.
Comment: Variant allele predicted to encode a truncated non-functional protein.

ClinVar Staff, National Center for Biotechnology Information (NCBI)
No classification provided. Condition: Familial cancer of breast. Review status: no classification provided. Collection method: literature only. Allele origin: germline. Affected: yes. Not counted in ClinVar's aggregate classification.

Literature cited by the submitters: PubMed 20858050 (cited by ClinVar Staff, National Center for Biotechnology Information (NCBI)).

NM_007294.4(BRCA1):c.4391dup (p.Ile1465fs)

Gene: BRCA1 (BRCA1 DNA repair associated; minus strand). Cytogenetic location: 17q21.31.
Variant type: Duplication.
Coding change: c.4391dup on transcript NM_007294.4 (MANE Select); coding-DNA position 4391, one base duplicated (C; older notation c.4391dupC).
Protein change: p.Ile1465fs; shifts the reading frame from isoleucine 1465.
Molecular consequence: frameshift variant. On other transcripts: non-coding transcript variant (1).
Genome position (GRCh38, 1-based): chr17:43,076,581, G duplicated on the plus strand (C on the coding strand, the reverse complement: BRCA1 is on the minus strand); the first of 3 consecutive G bases (chr17:43,076,581-43,076,583); duplicating any one gives the same sequence. VCF-style (leftmost placement, unchanged base first): chr17-43076580-A-AG. GRCh37 (hg19) VCF-style: chr17-41228597-A-AG.
Other names: c.4391dupC (NM_007294.3); c.879dup, p.Ile295Tyrfs (NM_001408474.1); c.876dup, p.Ile294Tyrfs (NM_001408475.1, NM_001408476.1); c.870dup, p.Ile292Tyrfs (NM_001408478.1, NM_001408479.1, NM_001408480.1); c.867dup, p.Ile291Tyrfs (NM_001408481.1, NM_001408482.1, NM_001408483.1 and 5 more transcripts); c.864dup, p.Ile290Tyrfs (NM_001408492.1, NM_001408493.1); c.840dup, p.Ile282Tyrfs (NM_001408494.1); c.834dup, p.Ile280Tyrfs (NM_001408495.1); and 72 more; short protein forms I1418fs, I1465fs, I361fs, I1486fs.
Identifiers: ClinVar variation 55189 (VCV000055189.3), dbSNP rs80357916, ClinGen allele CA327931.